The following is an entry in ClinVar:

ClinVar aggregate classification (germline): Uncertain significance (1 of 4 stars; one submission).

Conditions:
Neurodevelopmental disorder with dysmorphic facies, impaired speech, and hypotonia. Identifiers: MedGen C5436585, MONDO:0033562, OMIM 619005.
Deeah syndrome. Also called: DEVELOPMENTAL DELAY WITH ENDOCRINE, EXOCRINE, AUTONOMIC, AND HEMATOLOGIC ABNORMALITIES. Identifiers: Orphanet 686495, MedGen C5436579, MONDO:0033561, OMIM 619004.

Allele frequency attached by ClinVar (database versions not stated): gnomAD exomes below 0.00001 and 0.00001; ExAC 0.00002.
gnomAD v4.1: 6 of 1,614,134 alleles (0.00037%); highest among the groups gnomAD compares: Non-Finnish European, 0.00042%; no homozygotes.

Submission:

Laboratorio de Genetica e Diagnostico Molecular, Hospital Israelita Albert Einstein
Classification: Uncertain significance for Deeah syndrome; Neurodevelopmental disorder with dysmorphic facies, impaired speech, and hypotonia. Last evaluated: 2022-01-15. Review status: criteria provided, single submitter. Criteria: ACMG Guidelines, 2015. Collection method: clinical testing. Allele origin: germline. Affected: yes.
Comment: ACMG classification criteria: PM2 moderate, BP4 supporting

NM_001376571.1(MADD):c.2903G>A (p.Arg968Gln)

Gene: MADD (MAP kinase activating death domain; plus strand). Cytogenetic location: 11p11.2.
Variant type: single nucleotide variant.
Coding change: c.2903G>A on transcript NM_001376571.1 (MANE Select); coding-DNA position 2903, G replaced by A.
Protein change: p.Arg968Gln; replaces arginine 968 with glutamine.
Molecular consequence: missense variant. On other transcripts: non-coding transcript variant (7), intron variant (1).
Genome position (GRCh38, 1-based): chr11:47,289,953, G>A. VCF-style: chr11-47289953-G-A. GRCh37 (hg19) VCF-style: chr11-47311504-G-A.
Other names: c.2774G>A, p.Arg925Gln (NM_001376582.1, NM_001376586.1, NM_001376607.1 and 15 more transcripts); c.2741G>A, p.Arg914Gln (NM_001376583.1, NM_001376611.1, NM_001376613.1 and 1 more transcripts); c.2843G>A, p.Arg948Gln (NM_001376584.1, NM_001376593.1, NM_001376594.1 and 12 more transcripts); c.2714G>A, p.Arg905Gln (NM_001376585.1, NM_001376595.1, NM_001376645.1 and 20 more transcripts); c.2903G>A, p.Arg968Gln (NM_001376606.1, NM_001376609.1, NM_001376572.1 and 11 more transcripts); c.2510G>A, p.Arg837Gln (NM_001376644.1, NM_001376647.1, NM_001376660.1); c.2570G>A, p.Arg857Gln (NM_001376646.1, NM_001376627.1, NM_001376635.1 and 2 more transcripts); c.2699G>A, p.Arg900Gln (NM_001376648.1, NM_001376626.1); and 9 more; short protein forms R726Q, R837Q, R857Q, R871Q, R880Q, R896Q, R900Q, R905Q.
Identifiers: ClinVar variation 1683541 (VCV001683541.3), dbSNP rs767356267, ClinGen allele CA5974612.